The following is an entry in ClinVar:

NM_001386298.1(CIC):c.5607C>G (p.Pro1869=)

Gene: CIC (capicua transcriptional repressor; plus strand). Cytogenetic location: 19q13.2.
Variant type: single nucleotide variant.
Coding change: c.5607C>G on transcript NM_001386298.1 (MANE Select); coding-DNA position 5607, C replaced by G.
Protein change: p.Pro1869=; no amino-acid change (proline 1869 retained).
Molecular consequence: synonymous variant.
Genome position (GRCh38, 1-based): chr19:42,291,739, C>G. VCF-style: chr19-42291739-C-G. GRCh37 (hg19) VCF-style: chr19-42795891-C-G.
Other names: c.5607C>G, p.Pro1869= (NM_001304815.2, NM_001379480.1, NM_001379482.1 and 1 more transcripts); c.2880C>G, p.Pro960= (NM_001379484.1, NM_001379485.1, NM_015125.5).
Identifiers: ClinVar variation 3058682 (VCV003058682.4), dbSNP rs139270330, ClinGen allele CA9472405.

ClinVar aggregate classification (germline): Likely benign. Review status: criteria provided, single submitter (1 of 4 stars). 2 submissions from 2 submitters: Likely benign (1). 1 of the submissions does not count toward it. Last evaluated 2026-07-01.

Conditions:
CIC-related disorder. Also called: CIC-related condition.

Allele frequency attached by ClinVar (database versions not stated): ExAC 0.00013; 1000 Genomes Project 0.00040; gnomAD 0.00041; 1000 Genomes Project 30x 0.00047; ESP Exome Variant Server 0.00048; TOPMed 0.00048.
gnomAD v4.1: 112 of 1,613,058 alleles (0.0069%); highest among the groups gnomAD compares: African/African-American, 0.14%; no homozygotes.

Submissions (2):

CeGaT Center for Human Genetics Tuebingen
Classification: Likely benign. Last evaluated: 2026-07-01. Review status: criteria provided, single submitter. Criteria: CeGaT Center For Human Genetics Tuebingen Variant Classification Criteria Version 2. Collection method: clinical testing. Allele origin: germline. Affected: yes. Observed: 2 variant alleles.
Comment: CIC: BP4, BP7, BS1

PreventionGenetics, part of Exact Sciences
Classification: Likely benign for CIC-related condition. Last evaluated: 2024-02-16. Review status: no assertion criteria provided. Collection method: clinical testing. Allele origin: germline. Not counted in ClinVar's aggregate classification.
Comment: This variant is classified as likely benign based on ACMG/AMP sequence variant interpretation guidelines (Richards et al. 2015 PMID: 25741868, with internal and published modifications).